The following is an entry in ClinVar:

ClinVar aggregate classification (germline): Uncertain significance (1 of 4 stars; one submission).

Submission:

Labcorp Genetics (formerly Invitae), Labcorp
Classification: Uncertain significance. Last evaluated: 2025-10-21. Review status: criteria provided, single submitter. Criteria: Invitae Variant Classification Sherloc (09022015). Collection method: clinical testing. Allele origin: germline.
Comment: This sequence change replaces isoleucine, which is neutral and non-polar, with valine, which is neutral and non-polar, at codon 250 of the RELA protein (p.Ile250Val). This variant is not present in population databases (gnomAD no frequency). This variant has not been reported in the literature in individuals affected with RELA-related conditions. An algorithm developed to predict the effect of missense changes on protein structure and function (PolyPhen-2) suggests that this variant is likely to be tolerated. In summary, the available evidence is currently insufficient to determine the role of this variant in disease. Therefore, it has been classified as a Variant of Uncertain Significance.

NM_021975.4(RELA):c.748A>G (p.Ile250Val)

Gene: RELA (RELA proto-oncogene, NF-kB subunit; minus strand). Cytogenetic location: 11q13.1.
Variant type: single nucleotide variant.
Coding change: c.748A>G on transcript NM_021975.4 (MANE Select); coding-DNA position 748, A replaced by G.
Protein change: p.Ile250Val; replaces isoleucine 250 with valine.
Molecular consequence: missense variant. On other transcripts: intron variant (2).
Genome position (GRCh38, 1-based): chr11:65,658,416, T>C on the plus strand (A>G on the coding strand, the complement: RELA is on the minus strand). VCF-style: chr11-65658416-T-C. GRCh37 (hg19) VCF-style: chr11-65425887-T-C.
Other names: c.739A>G, p.Ile247Val (NM_001145138.2); c.748A>G, p.Ile250Val (NM_001243984.2, NM_001243985.2); c.781A>G, p.Ile261Val (NM_001404657.1); c.721A>G, p.Ile241Val (NM_001404658.1); c.367A>G, p.Ile123Val (NM_001404661.1); c.655A>G, p.Ile219Val (NM_001404662.1, NM_001404663.1); c.559+1250A>G (NM_001404660.1); c.664+302A>G (NM_001404659.1); short protein forms I123V, I219V, I247V, I261V, I250V, I241V.
Identifiers: ClinVar variation 4763503 (VCV004763503.1).